The following is an entry in ClinVar:

NM_007325.5(GRIA3):c.159T>C (p.Phe53=)

Gene: GRIA3 (glutamate ionotropic receptor AMPA type subunit 3; plus strand). Cytogenetic location: Xq25.
Variant type: single nucleotide variant.
Coding change: c.159T>C on transcript NM_007325.5 (MANE Select); coding-DNA position 159, T replaced by C.
Protein change: p.Phe53=; no amino-acid change (phenylalanine 53 retained).
Molecular consequence: synonymous variant.
Genome position (GRCh38, 1-based): chrX:123,185,881, T>C. VCF-style: chrX-123185881-T-C. GRCh37 (hg19) VCF-style: chrX-122319733-T-C.
Other names: p.Phe53=; c.159T>C, p.Phe53= (NM_000828.5, NM_001256743.2).
Identifiers: ClinVar variation 435359 (VCV000435359.24), dbSNP rs145583732, ClinGen allele CA10506843.

ClinVar aggregate classification (germline): Benign/Likely benign. Review status: criteria provided, multiple submitters, no conflicts (2 of 4 stars). 8 submissions from 8 submitters: Benign (3); Likely benign (4). 1 of the submissions does not count toward it. Last evaluated 2026-01-05.

Conditions:
Inborn genetic diseases. Identifiers: MedGen C0950123, MeSH D030342.

Allele frequency attached by ClinVar (database versions not stated): ESP Exome Variant Server 0.00028; TOPMed 0.00057; ExAC 0.00081; gnomAD 0.00086 and 0.00091; gnomAD exomes 0.00087 and 0.00104.
gnomAD v4.1: 1,212 of 1,205,559 alleles (0.1%); highest among the groups gnomAD compares: Non-Finnish European, 0.11%; no homozygotes.

Submissions (8):

Labcorp Genetics (formerly Invitae), Labcorp
Classification: Benign. Last evaluated: 2026-01-05. Review status: criteria provided, single submitter. Criteria: Invitae Variant Classification Sherloc (09022015). Collection method: clinical testing. Allele origin: germline.

Mayo Clinic Laboratories, Mayo Clinic
Classification: Benign. Last evaluated: 2025-03-07. Review status: criteria provided, single submitter. Criteria: ACMG Guidelines, 2015. Collection method: clinical testing. Allele origin: germline. Observed: 2 variant alleles.
Comment: BS1, BS2, BP4, BP7

Blueprint Genetics
Classification: Likely benign. Last evaluated: 2024-10-25. Review status: criteria provided, single submitter. Criteria: ACMG Guidelines, 2015. Collection method: clinical testing. Allele origin: germline.

GeneDx
Classification: Benign. Last evaluated: 2020-09-15. Review status: criteria provided, single submitter. Criteria: GeneDx Variant Classification Process June 2021. Collection method: clinical testing. Allele origin: germline. Affected: yes.

Genetic Services Laboratory, University of Chicago
Classification: Likely benign. Last evaluated: 2015-09-03. Review status: criteria provided, single submitter. Criteria: ACMG Guidelines, 2015. Collection method: clinical testing. Allele origin: germline. Affected: no.

Ambry Genetics
Classification: Likely benign for Inborn genetic diseases. Last evaluated: 2014-08-28. Review status: criteria provided, single submitter. Criteria: Ambry Variant Classification Scheme 2023. Collection method: clinical testing. Allele origin: germline.

Breakthrough Genomics
Classification: Likely benign. Review status: criteria provided, single submitter. Criteria: ACMG Guidelines, 2015. Collection method: not provided. Allele origin: germline. Inheritance: X-linked inheritance. Affected: yes.

Clinical Genetics DNA and cytogenetics Diagnostics Lab, Erasmus MC, Erasmus Medical Center
Classification: Uncertain significance. Review status: no assertion criteria provided. Collection method: clinical testing. Allele origin: germline. Affected: yes. Study: VKGL Data-share Consensus. Not counted in ClinVar's aggregate classification.